The following is an entry in ClinVar:

ClinVar aggregate classification (germline): Conflicting classifications of pathogenicity. Review status: criteria provided, conflicting classifications (1 of 4 stars). 3 submissions from 3 submitters: Uncertain significance (1); Benign (1). 1 of the submissions does not count toward it. Last evaluated 2026-01-22.

Conditions:
Kabuki syndrome. Also called: NIIKAWA-KUROKI SYNDROME; Kabuki make-up syndrome. Identifiers: Orphanet 2322, MedGen C0796004, MONDO:0016512.
KMT2D-related disorder. Also called: KMT2D-Related Disorders.

Allele frequency attached by ClinVar (database versions not stated): ExAC 0.00003; gnomAD 0.00005 and 0.00006; ESP Exome Variant Server 0.00008; TOPMed 0.00010.
gnomAD v4.1: 15 of 1,613,796 alleles (0.00093%); highest among the groups gnomAD compares: Admixed American, 0.0067%; no homozygotes.

Submissions (3):

Labcorp Genetics (formerly Invitae), Labcorp
Classification: Benign for Kabuki syndrome. Last evaluated: 2026-01-22. Review status: criteria provided, single submitter. Criteria: Invitae Variant Classification Sherloc (09022015). Collection method: clinical testing. Allele origin: germline.

Eurofins Ntd Llc (ga)
Classification: Uncertain significance. Last evaluated: 2016-08-09. Review status: criteria provided, single submitter. Criteria: EGL Classification Definitions 2015. Collection method: clinical testing. Allele origin: germline. Observed: 2 variant alleles, 2 heterozygotes.

PreventionGenetics, part of Exact Sciences
Classification: Uncertain significance for KMT2D-related condition. Last evaluated: 2024-05-01. Review status: no assertion criteria provided. Collection method: clinical testing. Allele origin: germline. Not counted in ClinVar's aggregate classification.
Comment: The KMT2D c.5503C>T variant is predicted to result in the amino acid substitution p.Arg1835Cys. To our knowledge, this variant has not been reported in the literature. This variant is reported in 0.013% of alleles in individuals of African descent in gnomAD, which may be too common to be a primary cause of disease. While we suspect this variant may be benign, at this time the clinical significance of this variant is uncertain due to the absence of conclusive functional and genetic evidence.

NM_003482.4(KMT2D):c.5503C>T (p.Arg1835Cys)

Gene: KMT2D (lysine methyltransferase 2D; minus strand). Cytogenetic location: 12q13.12.
Variant type: single nucleotide variant.
Coding change: c.5503C>T on transcript NM_003482.4 (MANE Select); coding-DNA position 5503, C replaced by T.
Protein change: p.Arg1835Cys; replaces arginine 1835 with cysteine.
Molecular consequence: missense variant.
Genome position (GRCh38, 1-based): chr12:49,043,393, G>A on the plus strand (C>T on the coding strand, the complement: KMT2D is on the minus strand). VCF-style: chr12-49043393-G-A. GRCh37 (hg19) VCF-style: chr12-49437176-G-A.
Other names: c.5503C>T (NM_003482.3); short protein forms R1835C.
Identifiers: ClinVar variation 289844 (VCV000289844.10), dbSNP rs371685892, ClinGen allele CA6547524.
Genomic context (GRCh38, chr12:49,043,393, plus strand): 5'-ACAGGACACAGTAACCCCGGCAGCCCTCACCTGGTGTATCGGCTTTGCCCTCGAGGCCAC[G>A]GGATTCTTCATCTGCAATATCTGGACCATCATCTCCTATGAGCAAGAGTCCCCCCTCCAA-3'
Protein context (NP_003473.3, residues 1825-1845): DGPDIADEES[Arg1835Cys]GLEGKADTPG